The following is an entry in ClinVar:

NM_001173990.3(TMEM216):c.203G>T (p.Gly68Val)

Gene: TMEM216 (transmembrane protein 216; plus strand). Cytogenetic location: 11q12.2.
Variant type: single nucleotide variant.
Coding change: c.203G>T on transcript NM_001173990.3 (MANE Select); coding-DNA position 203, G replaced by T.
Protein change: p.Gly68Val; replaces glycine 68 with valine.
Molecular consequence: missense variant.
Genome position (GRCh38, 1-based): chr11:61,393,950, G>T. VCF-style: chr11-61393950-G-T. GRCh37 (hg19) VCF-style: chr11-61161422-G-T.
Other names: c.203G>T, p.Gly68Val (NM_001173991.3); c.20G>T, p.Gly7Val (NM_001330285.2, NM_016499.6); short protein forms G7V, G68V.
Identifiers: ClinVar variation 2714687 (VCV002714687.1), dbSNP rs1398558607, ClinGen allele CA380685151.
Genomic context (GRCh38, chr11:61,393,950, plus strand): 5'-TGCTACCATATCCAACAGCTAACCTAGTACTGGATGTGGTGATGCTCCTCCTTTATCTTG[G>T]AATTGAAGTAATTCGCCTGTTTTTTGGTAAGTGTTGTCCAGAGAATATTTCCACTCCTTA-3'
Protein context (NP_001167461.1, residues 58-78): LDVVMLLLYL[Gly68Val]IEVIRLFFGT

ClinVar aggregate classification (germline): Uncertain significance (1 of 4 stars; one submission).

Conditions:
Joubert syndrome. Also called: CEREBELLOPARENCHYMAL DISORDER IV; JOUBERT-BOLTSHAUSER SYNDROME; Familial aplasia of the vermis. Identifiers: Orphanet 475, MedGen C5979921, MONDO:0018772.

Allele frequency attached by ClinVar (database versions not stated): gnomAD exomes below 0.00001; TOPMed below 0.00001; gnomAD 0.00001.

Submission:

Labcorp Genetics (formerly Invitae), Labcorp
Classification: Uncertain significance for Joubert syndrome. Last evaluated: 2024-01-25. Review status: criteria provided, single submitter. Criteria: Invitae Variant Classification Sherloc (09022015). Collection method: clinical testing. Allele origin: germline.
Comment: This sequence change replaces glycine, which is neutral and non-polar, with valine, which is neutral and non-polar, at codon 68 of the TMEM216 protein (p.Gly68Val). This variant is not present in population databases (gnomAD no frequency). This variant has not been reported in the literature in individuals affected with TMEM216-related conditions. An algorithm developed to predict the effect of missense changes on protein structure and function (PolyPhen-2) suggests that this variant is likely to be disruptive. In summary, the available evidence is currently insufficient to determine the role of this variant in disease. Therefore, it has been classified as a Variant of Uncertain Significance.